The following is an entry in ClinVar:

NM_002335.4(LRP5):c.1824G>C (p.Arg608Ser)

Gene: LRP5 (LDL receptor related protein 5; plus strand). Cytogenetic location: 11q13.2.
Variant type: single nucleotide variant.
Coding change: c.1824G>C on transcript NM_002335.4 (MANE Select); coding-DNA position 1824, G replaced by C.
Protein change: p.Arg608Ser; replaces arginine 608 with serine.
Molecular consequence: missense variant.
Genome position (GRCh38, 1-based): chr11:68,406,546, G>C. VCF-style: chr11-68406546-G-C. GRCh37 (hg19) VCF-style: chr11-68174014-G-C.
Other names: c.81G>C, p.Arg27Ser (NM_001291902.2); short protein forms R608S, R27S.
Identifiers: ClinVar variation 2043413 (VCV002043413.4), dbSNP rs2496717863, ClinGen allele CA381615322.

ClinVar aggregate classification (germline): Uncertain significance (1 of 4 stars; one submission).

Submission:

Labcorp Genetics (formerly Invitae), Labcorp
Classification: Uncertain significance. Last evaluated: 2022-04-15. Review status: criteria provided, single submitter. Criteria: Invitae Variant Classification Sherloc (09022015). Collection method: clinical testing. Allele origin: germline.
Comment: Advanced modeling of protein sequence and biophysical properties (such as structural, functional, and spatial information, amino acid conservation, physicochemical variation, residue mobility, and thermodynamic stability) performed at Invitae indicates that this missense variant is not expected to disrupt LRP5 protein function. In summary, the available evidence is currently insufficient to determine the role of this variant in disease. Therefore, it has been classified as a Variant of Uncertain Significance. This variant has not been reported in the literature in individuals affected with LRP5-related conditions. This variant is not present in population databases (gnomAD no frequency). This sequence change replaces arginine, which is basic and polar, with serine, which is neutral and polar, at codon 608 of the LRP5 protein (p.Arg608Ser).